The following is an entry in ClinVar:

NM_000081.4(LYST):c.9320G>T (p.Arg3107Leu)

Gene: LYST (lysosomal trafficking regulator; minus strand). Cytogenetic location: 1q42.3.
Variant type: single nucleotide variant.
Coding change: c.9320G>T on transcript NM_000081.4 (MANE Select); coding-DNA position 9320, G replaced by T.
Protein change: p.Arg3107Leu; replaces arginine 3107 with leucine.
Molecular consequence: missense variant.
Genome position (GRCh38, 1-based): chr1:235,720,901, C>A on the plus strand (G>T on the coding strand, the complement: LYST is on the minus strand). VCF-style: chr1-235720901-C-A. GRCh37 (hg19) VCF-style: chr1-235884201-C-A.
Other names: c.9320G>T, p.Arg3107Leu (NM_001301365.1); short protein forms R3107L.
Identifiers: ClinVar variation 2862325 (VCV002862325.3), dbSNP rs1015037975, ClinGen allele CA344944506.

ClinVar aggregate classification (germline): Uncertain significance (1 of 4 stars; one submission).

Conditions:
Chédiak-Higashi syndrome (CHS). Also called: Chediak-Higashi Syndrome. Identifiers: Orphanet 167, MedGen C0007965, MONDO:0008963, OMIM 214500.

Submission:

Labcorp Genetics (formerly Invitae), Labcorp
Classification: Uncertain significance for Chédiak-Higashi syndrome. Last evaluated: 2023-05-05. Review status: criteria provided, single submitter. Criteria: Invitae Variant Classification Sherloc (09022015). Collection method: clinical testing. Allele origin: germline.
Comment: In summary, the available evidence is currently insufficient to determine the role of this variant in disease. Therefore, it has been classified as a Variant of Uncertain Significance. Advanced modeling of protein sequence and biophysical properties (such as structural, functional, and spatial information, amino acid conservation, physicochemical variation, residue mobility, and thermodynamic stability) performed at Invitae indicates that this missense variant is expected to disrupt LYST protein function. This variant has not been reported in the literature in individuals affected with LYST-related conditions. This variant is not present in population databases (gnomAD no frequency). This sequence change replaces arginine, which is basic and polar, with leucine, which is neutral and non-polar, at codon 3107 of the LYST protein (p.Arg3107Leu).